The following is an entry in ClinVar:

ClinVar aggregate classification (germline): Uncertain significance (1 of 4 stars; one submission).

Conditions:
Hereditary cancer-predisposing syndrome. Also called: Hereditary neoplastic syndrome; Hereditary Cancer Syndrome; Neoplastic Syndromes, Hereditary; Tumor predisposition. Identifiers: Orphanet 140162, MedGen C0027672, MeSH D009386, MONDO:0015356.

Submission:

Ambry Genetics
Classification: Uncertain significance for Hereditary cancer-predisposing syndrome. Last evaluated: 2023-04-28. Review status: criteria provided, single submitter. Criteria: Ambry Variant Classification Scheme 2023. Collection method: clinical testing. Allele origin: germline.
Comment: The p.Q453L variant (also known as c.1358A>T), located in coding exon 13 of the NF2 gene, results from an A to T substitution at nucleotide position 1358. The glutamine at codon 453 is replaced by leucine, an amino acid with dissimilar properties. This amino acid position is conserved. In addition, the in silico prediction for this alteration is inconclusive. Since supporting evidence is limited at this time, the clinical significance of this alteration remains unclear.

NM_000268.4(NF2):c.1358A>T (p.Gln453Leu)

Gene: NF2 (NF2, moesin-ezrin-radixin like (MERLIN) tumor suppressor; plus strand). Cytogenetic location: 22q12.2.
Variant type: single nucleotide variant.
Coding change: c.1358A>T on transcript NM_000268.4 (MANE Select); coding-DNA position 1358, A replaced by T.
Protein change: p.Gln453Leu; replaces glutamine 453 with leucine.
Molecular consequence: missense variant. On other transcripts: non-coding transcript variant (1), intron variant (1).
Genome position (GRCh38, 1-based): chr22:29,674,853, A>T. VCF-style: chr22-29674853-A-T. GRCh37 (hg19) VCF-style: chr22-30070842-A-T.
Other names: c.1244A>T, p.Gln415Leu (NM_001407053.1, NM_001407056.1); c.1235A>T, p.Gln412Leu (NM_001407054.1, NM_001407058.1, NM_181829.3); c.1232A>T, p.Gln411Leu (NM_001407055.1, NM_181828.3); c.1223A>T, p.Gln408Leu (NM_001407057.1, NM_001407059.1); c.1358A>T, p.Gln453Leu (NM_001407060.1, NM_001407066.1, NM_016418.5 and 2 more transcripts); c.1100A>T, p.Gln367Leu (NM_001407062.1); c.1109A>T, p.Gln370Leu (NM_001407063.1, NM_001407064.1, NM_181830.3 and 1 more transcripts); c.824A>T, p.Gln275Leu (NM_001407065.1); and 2 more; short protein forms Q367L, Q370L, Q412L, Q415L, Q408L, Q411L, Q453L, Q275L.
Identifiers: ClinVar variation 2568066 (VCV002568066.2), dbSNP rs2147092249, ClinGen allele CA411148860.